The following is an entry in ClinVar:

NM_000836.4(GRIN2D):c.1815G>T (p.Glu605Asp)

Gene: GRIN2D (glutamate ionotropic receptor NMDA type subunit 2D; plus strand). Cytogenetic location: 19q13.33.
Variant type: single nucleotide variant.
Coding change: c.1815G>T on transcript NM_000836.4 (MANE Select); coding-DNA position 1815, G replaced by T.
Protein change: p.Glu605Asp; replaces glutamic acid 605 with aspartic acid.
Molecular consequence: missense variant.
Genome position (GRCh38, 1-based): chr19:48,419,313, G>T. VCF-style: chr19-48419313-G-T. GRCh37 (hg19) VCF-style: chr19-48922570-G-T.
Other names: short protein forms E605D.
Identifiers: ClinVar variation 1878878 (VCV001878878.1), dbSNP rs2513674802, ClinGen allele CA406697473.

ClinVar aggregate classification (germline): Uncertain significance (1 of 4 stars; one submission).

Submission:

GeneDx
Classification: Uncertain significance. Last evaluated: 2022-07-12. Review status: criteria provided, single submitter. Criteria: GeneDx Variant Classification Process June 2021. Collection method: clinical testing. Allele origin: germline. Affected: yes.
Comment: Not observed at significant frequency in large population cohorts (gnomAD); In silico analysis supports that this missense variant has a deleterious effect on protein structure/function; Has not been previously published as pathogenic or benign to our knowledge